The following is an entry in ClinVar:

NM_000051.4(ATM):c.8567T>A (p.Val2856Glu)

Genes: ATM (ATM serine/threonine kinase; plus strand), C11orf65 (chromosome 11 open reading frame 65; minus strand). Cytogenetic location: 11q22.3.
Variant type: single nucleotide variant.
Coding change: c.8567T>A on transcript NM_000051.4 (MANE Select); coding-DNA position 8567, T replaced by A.
Protein change: p.Val2856Glu; replaces valine 2856 with glutamic acid.
Molecular consequence: missense variant. On other transcripts: intron variant (2).
Genome position (GRCh38, 1-based): chr11:108,345,891, T>A. VCF-style: chr11-108345891-T-A. GRCh37 (hg19) VCF-style: chr11-108216618-T-A.
Other names: c.8567T>A, p.Val2856Glu (NM_001351834.2); c.641-36820A>T (NM_001330368.2); c.695-10599A>T (NM_001351110.2); short protein forms V2856E.
Identifiers: ClinVar variation 407644 (VCV000407644.49), dbSNP rs1060501649, ClinGen allele CA16613218.

ClinVar aggregate classification (germline): Uncertain significance. Review status: criteria provided, multiple submitters, no conflicts (2 of 4 stars). 2 submissions from 2 submitters: Uncertain significance (2). Last evaluated 2025-10-22.

Conditions:
Hereditary cancer-predisposing syndrome. Also called: Neoplastic Syndromes, Hereditary; Hereditary Cancer Syndrome; Tumor predisposition; Hereditary neoplastic syndrome. Identifiers: Orphanet 140162, MedGen C0027672, MeSH D009386, MONDO:0015356.
Ataxia-telangiectasia syndrome (AT). Also called: LOUIS-BAR SYNDROME; Cerebello-oculocutaneous telangiectasia; Immunodeficiency with ataxia telangiectasia; Ataxia-telangiectasia, complementation group D; AT, COMPLEMENTATION GROUP C; Ataxia-telangiectasia, complementation group E. Identifiers: Orphanet 100, MedGen C0004135, MONDO:0008840, OMIM 208900.

Submissions (2):

Color Diagnostics, LLC DBA Color Health
Classification: Uncertain significance for Hereditary cancer-predisposing syndrome. Last evaluated: 2025-10-22. Review status: criteria provided, single submitter. Criteria: ACMG Guidelines, 2015. Collection method: clinical testing. Allele origin: germline.
Comment: This missense variant replaces valine with glutamic acid at codon 2856 of the ATM protein. Computational prediction suggests that this variant may have deleterious impact on protein structure and function. To our knowledge, functional studies have not been reported for this variant. In a large international case-control study, this variant was reported in 1/60466 breast cancer cases and absent in 53461 controls (PMID: 33471991). This variant has not been identified in the general population by the Genome Aggregation Database (gnomAD). The available evidence is insufficient to determine the role of this variant in disease conclusively. Therefore, this variant is classified as a Variant of Uncertain Significance.

Labcorp Genetics (formerly Invitae), Labcorp
Classification: Uncertain significance for Ataxia-telangiectasia syndrome. Last evaluated: 2016-07-31. Review status: criteria provided, single submitter. Criteria: Invitae Variant Classification Sherloc (09022015). Collection method: clinical testing. Allele origin: germline.
Comment: In summary, this variant is a novel missense change with uncertain impact on protein function. It has been classified as a Variant of Uncertain Significance. Algorithms developed to predict the effect of missense changes on protein structure and function (SIFT, PolyPhen-2, Align-GVGD) all suggest that this variant is likely to be disruptive, but these predictions have not been confirmed by published functional studies. This sequence change replaces valine with glutamic acid at codon 2856 of the ATM protein (p.Val2856Glu). The valine residue is highly conserved and there is a moderate physicochemical difference between valine and glutamic acid. This variant is not present in population databases (ExAC no frequency) and has not been reported in the literature in individuals with a ATM-related disease.

Literature cited by the submitters: PubMed 33471991 (cited by Color Diagnostics, LLC DBA Color Health).